The following is an entry in ClinVar:

NM_017947.4(MOCOS):c.2392G>A (p.Gly798Ser)

Gene: MOCOS (molybdenum cofactor sulfurase; plus strand). Cytogenetic location: 18q12.2.
Variant type: single nucleotide variant.
Coding change: c.2392G>A on transcript NM_017947.4 (MANE Select); coding-DNA position 2392, G replaced by A.
Protein change: p.Gly798Ser; replaces glycine 798 with serine.
Molecular consequence: missense variant.
Genome position (GRCh38, 1-based): chr18:36,260,158, G>A. VCF-style: chr18-36260158-G-A. GRCh37 (hg19) VCF-style: chr18-33840121-G-A.
Other names: c.2392G>A (NM_017947.2); short protein forms G798S.
Identifiers: ClinVar variation 2047611 (VCV002047611.2), dbSNP rs746941227, ClinGen allele CA8941030.
Genomic context (GRCh38, chr18:36,260,158, plus strand): 5'-AATATTATTATCAATGGAAAAAGGGCTTTTGAAGAAGAGAAATGGGATGAGATTTCAATT[G>A]GCTCTTTGCGTTTCCAGGTAAGTTTGGGGAAGTTCTATTATCCTTCCTCCAGGGTTGTCA-3'
Protein context (NP_060417.4, residues 788-808): EEEKWDEISI[Gly798Ser]SLRFQVLGPC

ClinVar aggregate classification (germline): Uncertain significance. Review status: criteria provided, multiple submitters, no conflicts (2 of 4 stars). 2 submissions from 2 submitters: Uncertain significance (2). Last evaluated 2025-08-20.

Conditions:
Xanthinuria type II. Also called: Xanthine dehydrogenase and aldehyde oxidase combined deficiency of; XDH and AOX dual deficiency. Identifiers: Orphanet 3467, Orphanet 93602, MedGen C1863688, MONDO:0011346, OMIM 603592.

Allele frequency attached by ClinVar (database versions not stated): ExAC 0.00001; gnomAD exomes 0.00001; gnomAD 0.00002; TOPMed 0.00002.
gnomAD v4.1: 16 of 1,614,014 alleles (0.00099%); highest among the groups gnomAD compares: Non-Finnish European, 0.0014%; no homozygotes.

Submissions (2):

Ambry Genetics
Classification: Uncertain significance. Last evaluated: 2025-08-20. Review status: criteria provided, single submitter. Criteria: Ambry Variant Classification Scheme 2023. Collection method: clinical testing. Allele origin: germline.

Labcorp Genetics (formerly Invitae), Labcorp
Classification: Uncertain significance for Xanthinuria type II. Last evaluated: 2022-08-03. Review status: criteria provided, single submitter. Criteria: Invitae Variant Classification Sherloc (09022015). Collection method: clinical testing. Allele origin: germline.
Comment: This sequence change replaces glycine, which is neutral and non-polar, with serine, which is neutral and polar, at codon 798 of the MOCOS protein (p.Gly798Ser). This variant is present in population databases (rs746941227, gnomAD 0.0009%). This variant has not been reported in the literature in individuals affected with MOCOS-related conditions. Algorithms developed to predict the effect of missense changes on protein structure and function are either unavailable or do not agree on the potential impact of this missense change (SIFT: "Tolerated"; PolyPhen-2: "Probably Damaging"; Align-GVGD: "Class C0"). In summary, the available evidence is currently insufficient to determine the role of this variant in disease. Therefore, it has been classified as a Variant of Uncertain Significance.